The following is an entry in ClinVar:

ClinVar aggregate classification (germline): Uncertain significance. Review status: criteria provided, multiple submitters, no conflicts (2 of 4 stars). 3 submissions from 3 submitters: Uncertain significance (3). Last evaluated 2026-06-11.

Conditions:
Lewy body dementia (DLB). Also called: Lewy Body Disease. Identifiers: MedGen C0752347, MONDO:0007488, OMIM 127750.
Gaucher disease type I (GD1). Also called: GD 1; ACID BETA-GLUCOSIDASE DEFICIENCY; GAUCHER DISEASE, NONCEREBRAL JUVENILE; GBA DEFICIENCY; GD I; GLUCOCEREBROSIDASE DEFICIENCY. Identifiers: Orphanet 355, Orphanet 77259, MedGen C1961835, MONDO:0009265, OMIM 230800.
Gaucher disease type II (GD2). Also called: GAUCHER DISEASE, ACUTE NEURONOPATHIC TYPE; GD II; Type 2 Gaucher disease (Acute; Infantile); Acute neuronopathic Gaucher's disease. Identifiers: Orphanet 77260, MedGen C0268250, MONDO:0009266, OMIM 230900.
Gaucher disease type III. Also called: GAUCHER DISEASE, CHRONIC NEURONOPATHIC TYPE; GAUCHER DISEASE, JUVENILE AND ADULT, CEREBRAL; GAUCHER DISEASE, SUBACUTE NEURONOPATHIC TYPE; GD III; Type 3 Gaucher disease (Subacute; Juvenile); Gaucher Disease, Type 3. Identifiers: Orphanet 355, Orphanet 77261, MedGen C0268251, MONDO:0009267, OMIM 231000.
Parkinson disease, late-onset (PD). Also called: PARKINSON DISEASE, LATE-ONSET, SUSCEPTIBILITY TO; Hereditary late onset Parkinson disease; Susceptibility to Parkinson's Disease. Identifiers: Orphanet 411602, MedGen C3160718, MONDO:0008199, OMIM 168600.
Gaucher disease perinatal lethal. Also called: Gaucher disease collodion type; Gaucher Disease, Perinatal-Lethal Form. Identifiers: Orphanet 85212, MedGen C1842704, MONDO:0011945, OMIM 608013.
Gaucher disease-ophthalmoplegia-cardiovascular calcification syndrome. Also called: GAUCHER DISEASE, TYPE IIIC. Identifiers: Orphanet 2072, MedGen C1856476, MONDO:0009268, OMIM 231005.

Allele frequency attached by ClinVar (database versions not stated): gnomAD 0.00001; gnomAD exomes 0.00001 and 0.00003; ExAC 0.00004; TOPMed 0.00004.
gnomAD v4.1: 11 of 1,614,068 alleles (0.00068%); highest among the groups gnomAD compares: Admixed American, 0.01%; no homozygotes.

Submissions (3):

Women's Health and Genetics/Laboratory Corporation of America, LabCorp
Classification: Uncertain significance. Last evaluated: 2026-06-11. Review status: criteria provided, single submitter. Criteria: LabCorp Variant Classification Summary - May 2015. Collection method: clinical testing. Allele origin: germline.
Comment: Variant summary: GBA1 c.1043C>G (p.Ala348Gly) results in a non-conservative amino acid change in the encoded protein sequence. Algorithms developed to predict the effect of missense changes on protein structure and function all suggest that this variant is likely to be disruptive. The variant allele was found at a frequency of 6.8e-06 in 1614068 control chromosomes. This frequency is not significantly higher than estimated for disease-causing variants in GBA1, allowing no conclusion about variant significance. c.1043C>G has been observed in at least one homozygous individual who was screen positive for Gaucher disease on newborn screening; however, it was unknown as to whether this diagnosis was subsequently confirmed via biochemical testing (example: Elliott_2016). This report does not provide unequivocal conclusions about association of the variant with disease. To our knowledge, no experimental evidence demonstrating an impact on protein function has been reported. The following publication has been ascertained in the context of this evaluation (PMID: 27238910). ClinVar contains an entry for this variant (Variation ID: 1308050). Based on the evidence outlined above, the variant was classified as uncertain significance.

Fulgent Genetics
Classification: Uncertain significance for Lewy body dementia; Parkinson disease, late-onset; Gaucher disease type I; Gaucher disease type II; Gaucher disease type III; Gaucher disease-ophthalmoplegia-cardiovascular calcification syndrome; Gaucher disease perinatal lethal. Last evaluated: 2022-03-15. Review status: criteria provided, single submitter. Criteria: ACMG Guidelines, 2015. Collection method: clinical testing. Allele origin: unknown.

GeneDx
Classification: Uncertain significance. Last evaluated: 2019-08-26. Review status: criteria provided, single submitter. Criteria: GeneDx Variant Classification Process June 2021. Collection method: clinical testing. Allele origin: germline. Affected: yes.
Comment: In silico analysis, which includes protein predictors and evolutionary conservation, supports that this variant does not alter protein structure/function; Has not been previously published as pathogenic or benign to our knowledge; Missense variants in nearby residues reported in the Human Gene Mutation Database (Stenson et al., 2014)

Literature cited by the submitters: PubMed 27238910 (cited by Women's Health and Genetics/Laboratory Corporation of America, LabCorp).

NM_000157.4(GBA1):c.1043C>G (p.Ala348Gly)

Genes: GBA1 (glucosylceramidase beta 1; minus strand), LOC106627981 (GBA recombination region; plus strand). Cytogenetic location: 1q22.
Variant type: single nucleotide variant.
Coding change: c.1043C>G on transcript NM_000157.4 (MANE Select); coding-DNA position 1043, C replaced by G.
Protein change: p.Ala348Gly; replaces alanine 348 with glycine.
Molecular consequence: missense variant.
Genome position (GRCh38, 1-based): chr1:155,236,426, G>C on the plus strand (C>G on the coding strand, the complement: GBA1 is on the minus strand). VCF-style: chr1-155236426-G-C. GRCh37 (hg19) VCF-style: chr1-155206217-G-C.
Other names: c.1043C>G, p.Ala348Gly (NM_001005741.3, NM_001005742.3); c.782C>G, p.Ala261Gly (NM_001171811.2); c.896C>G, p.Ala299Gly (NM_001171812.2); short protein forms A261G, A299G, A348G.
Identifiers: ClinVar variation 1308050 (VCV001308050.4), dbSNP rs78396650, ClinGen allele CA1141627.